The following is an entry in ClinVar:

NM_024675.4(PALB2):c.2197A>G (p.Thr733Ala)

Gene: PALB2 (partner and localizer of BRCA2; minus strand). Cytogenetic location: 16p12.2.
Variant type: single nucleotide variant.
Coding change: c.2197A>G on transcript NM_024675.4 (MANE Select); coding-DNA position 2197, A replaced by G.
Protein change: p.Thr733Ala; replaces threonine 733 with alanine.
Molecular consequence: missense variant.
Genome position (GRCh38, 1-based): chr16:23,629,957, T>C on the plus strand (A>G on the coding strand, the complement: PALB2 is on the minus strand). VCF-style: chr16-23629957-T-C. GRCh37 (hg19) VCF-style: chr16-23641278-T-C.
Other names: short protein forms T733A.
Identifiers: ClinVar variation 246024 (VCV000246024.21), dbSNP rs879254051, ClinGen allele CA10584511.

ClinVar aggregate classification (germline): Conflicting classifications of pathogenicity. Review status: criteria provided, conflicting classifications (1 of 4 stars). 7 submissions from 7 submitters: Uncertain significance (6); Likely benign (1). Last evaluated 2025-07-30.

Conditions:
Familial cancer of breast. Also called: BREAST CANCER, FAMILIAL; Hereditary breast cancer; hereditary breast carcinoma. Identifiers: Orphanet 227535, MedGen C0346153, MONDO:0016419, OMIM 114480. Disease mechanism: loss of function.
Hereditary cancer-predisposing syndrome. Also called: Neoplastic Syndromes, Hereditary; Tumor predisposition; Hereditary neoplastic syndrome; Hereditary Cancer Syndrome. Identifiers: Orphanet 140162, MedGen C0027672, MeSH D009386, MONDO:0015356.
Fanconi anemia complementation group N. Also called: PALB2-Related Fanconi Anemia. Identifiers: Orphanet 84, MedGen C1835817, MONDO:0012565, OMIM 610832. Disease mechanism: loss of function.
Pancreatic cancer, susceptibility to, 3. Identifiers: Orphanet 1333, MedGen C3150547, MONDO:0013236, OMIM 613348.

Allele frequency attached by ClinVar (database versions not stated): gnomAD exomes below 0.00001; gnomAD 0.00001; TOPMed 0.00002.

Submissions (7):

Labcorp Genetics (formerly Invitae), Labcorp
Classification: Uncertain significance for Familial cancer of breast. Last evaluated: 2025-07-30. Review status: criteria provided, single submitter. Criteria: Invitae Variant Classification Sherloc (09022015). Collection method: clinical testing. Allele origin: germline.
Comment: This sequence change replaces threonine, which is neutral and polar, with alanine, which is neutral and non-polar, at codon 733 of the PALB2 protein (p.Thr733Ala). This variant is present in population databases (no rsID available, gnomAD 0.003%). This variant has not been reported in the literature in individuals affected with PALB2-related conditions. ClinVar contains an entry for this variant (Variation ID: 246024). Invitae Evidence Modeling of protein sequence and biophysical properties (such as structural, functional, and spatial information, amino acid conservation, physicochemical variation, residue mobility, and thermodynamic stability) indicates that this missense variant is not expected to disrupt PALB2 protein function with a negative predictive value of 80%. In summary, the available evidence is currently insufficient to determine the role of this variant in disease. Therefore, it has been classified as a Variant of Uncertain Significance.

Center for Genomic Medicine, Rigshospitalet, Copenhagen University Hospital
Classification: Uncertain significance. Last evaluated: 2025-03-04. Review status: criteria provided, single submitter. Criteria: ACMG Guidelines, 2015. Collection method: clinical testing. Allele origin: germline.

Ambry Genetics
Classification: Likely benign for Hereditary cancer-predisposing syndrome. Last evaluated: 2023-10-30. Review status: criteria provided, single submitter. Criteria: Ambry Variant Classification Scheme 2023. Collection method: clinical testing. Allele origin: germline.

Quest Diagnostics Nichols Institute San Juan Capistrano
Classification: Uncertain significance. Last evaluated: 2023-05-08. Review status: criteria provided, single submitter. Criteria: Quest Diagnostics criteria. Collection method: clinical testing. Allele origin: unknown.
Comment: The variant has not been reported in the published literature. The frequency of this variant in the general population, 0.000004 (1/251490 chromosomes), is uninformative in assessment of its pathogenicity. Analysis of this variant using bioinformatics tools for the prediction of the effect of amino acid changes on protein structure and function yielded predictions that this variant is benign. Based on the available information, we are unable to determine the clinical significance of this variant.

Fulgent Genetics
Classification: Uncertain significance for Familial cancer of breast; Fanconi anemia complementation group N; Pancreatic cancer, susceptibility to, 3. Last evaluated: 2022-03-02. Review status: criteria provided, single submitter. Criteria: ACMG Guidelines, 2015. Collection method: clinical testing. Allele origin: unknown.

Color Diagnostics, LLC DBA Color Health
Classification: Uncertain significance for Hereditary cancer-predisposing syndrome. Last evaluated: 2021-04-21. Review status: criteria provided, single submitter. Criteria: ACMG Guidelines, 2015. Collection method: clinical testing. Allele origin: germline.
Comment: This missense variant replaces threonine with alanine at codon 733 of the PALB2 protein. Computational prediction suggests that this variant may not impact protein structure and function (internally defined REVEL score threshold <= 0.5, PMID: 27666373). To our knowledge, functional studies have not been reported for this variant. This variant has not been reported in individuals affected with hereditary cancer in the literature. This variant has been identified in 1/251490 chromosomes in the general population by the Genome Aggregation Database (gnomAD). The available evidence is insufficient to determine the role of this variant in disease conclusively. Therefore, this variant is classified as a Variant of Uncertain Significance.

GeneDx
Classification: Uncertain significance. Last evaluated: 2015-10-28. Review status: criteria provided, single submitter. Criteria: GeneDx Variant Classification (06012015). Collection method: clinical testing. Allele origin: germline. Affected: yes.
Comment: This variant is denoted PALB2 c.2197A>G at the cDNA level, p.Thr733Ala (T733A) at the protein level, and results in the change of a Threonine to an Alanine (ACT>GCT). This variant has not, to our knowledge, been published in the literature as either a germline pathogenic or benign variant. However, it has been reported as a somatic variant identified in a colorectal cancer cell line (Mouradov 2014). PALB2 Thr733Ala was not observed in approximately 6,500 individuals of European and African American ancestry in the NHLBI Exome Sequencing Project, suggesting it is not a common benign variant in these populations. Since Threonine and Alanine differ in polarity, charge, size or other properties, this is considered a non-conservative amino acid substitution. PALB2 Thr733Ala occurs at a position that is not conserved and is not located in a known functional domain (Uniprot). In silico analyses predict that this variant is unlikely to alter protein structure or function. Based on currently available evidence, it is unclear whether PALB2 Thr733Ala is a pathogenic or benign variant. We consider it to be a variant of uncertain significance.